The following is an entry in ClinVar:

ClinVar aggregate classification (germline): Uncertain significance. Review status: criteria provided, multiple submitters, no conflicts (2 of 4 stars). 2 submissions from 2 submitters: Uncertain significance (2). Last evaluated 2023-06-19.

Allele frequency attached by ClinVar (database versions not stated): gnomAD exomes below 0.00001; gnomAD 0.00002; TOPMed 0.00003.
gnomAD v4.1: 7 of 1,613,950 alleles (0.00043%); highest among the groups gnomAD compares: African/African-American, 0.0053%; no homozygotes.

Submissions (2):

Blueprint Genetics
Classification: Uncertain significance. Last evaluated: 2023-06-19. Review status: criteria provided, single submitter. Criteria: ACMG Guidelines, 2015. Collection method: clinical testing. Allele origin: germline.

Labcorp Genetics (formerly Invitae), Labcorp
Classification: Uncertain significance. Last evaluated: 2022-07-27. Review status: criteria provided, single submitter. Criteria: Invitae Variant Classification Sherloc (09022015). Collection method: clinical testing. Allele origin: germline.
Comment: This sequence change replaces glycine, which is neutral and non-polar, with arginine, which is basic and polar, at codon 265 of the PHYH protein (p.Gly265Arg). This variant is present in population databases (no rsID available, gnomAD 0.007%). This variant has not been reported in the literature in individuals affected with PHYH-related conditions. Algorithms developed to predict the effect of missense changes on protein structure and function (SIFT, PolyPhen-2, Align-GVGD) all suggest that this variant is likely to be disruptive. In summary, the available evidence is currently insufficient to determine the role of this variant in disease. Therefore, it has been classified as a Variant of Uncertain Significance.

NM_006214.4(PHYH):c.793G>A (p.Gly265Arg)

Gene: PHYH (phytanoyl-CoA 2-hydroxylase; minus strand). Cytogenetic location: 10p13.
Variant type: single nucleotide variant.
Coding change: c.793G>A on transcript NM_006214.4 (MANE Select); coding-DNA position 793, G replaced by A.
Protein change: p.Gly265Arg; replaces glycine 265 with arginine.
Molecular consequence: missense variant.
Genome position (GRCh38, 1-based): chr10:13,283,725, C>T on the plus strand (G>A on the coding strand, the complement: PHYH is on the minus strand). VCF-style: chr10-13283725-C-T. GRCh37 (hg19) VCF-style: chr10-13325725-C-T.
Other names: c.493G>A, p.Gly165Arg (NM_001037537.2, NM_001323080.2); c.799G>A, p.Gly267Arg (NM_001323082.2); c.529G>A, p.Gly177Arg (NM_001323083.2); c.499G>A, p.Gly167Arg (NM_001323084.2); short protein forms G165R, G177R, G167R, G265R, G267R.
Identifiers: ClinVar variation 1964570 (VCV001964570.3), dbSNP rs978055214, ClinGen allele CA203276251.
Genomic context (GRCh38, chr10:13,283,725, plus strand): 5'-CAGGTGCAGCAATGTGAATGCTTACCTTCCGGAATCCCTGGGTTTTATTCTGACCAGATC[C>T]GTGGATGAGCAAAGGATGGAAGAAAACAGTGTCGCCCTTCTCCATCACCAGGTGCACCCG-3'
Protein context (NP_006205.1, residues 255-275): TVFFHPLLIH[Gly265Arg]SGQNKTQGFR